The following is an entry in ClinVar:

ClinVar aggregate classification (germline): Likely pathogenic (1 of 4 stars; one submission).

Conditions:
Immunodeficiency 78 with autoimmunity and developmental delay. Also called: TPP2 deficiency. Identifiers: MedGen C5543159, MONDO:0030971, OMIM 619220.

Submission:

3billion
Classification: Likely pathogenic for Immunodeficiency 78 with autoimmunity and developmental delay. Last evaluated: 2024-07-09. Review status: criteria provided, single submitter. Criteria: ACMG Guidelines, 2015. Collection method: clinical testing. Allele origin: germline. Affected: yes.
Comment: The variant is not observed in the gnomAD v4.0.0 dataset. Predicted Consequence/Location: Frameshift: predicted to result in a loss or disruption of normal protein function through nonsense-mediated decay (NMD) or protein truncation. Multiple pathogenic variants are reported downstream of the variant. Therefore, this variant is classified as Likely pathogenic according to the recommendation of ACMG/AMP guideline.

NM_001330588.2(TPP2):c.3012del (p.Tyr1005fs)

Gene: TPP2 (tripeptidyl peptidase 2; plus strand). Cytogenetic location: 13q33.1.
Variant type: Deletion.
Coding change: c.3012del on transcript NM_001330588.2 (MANE Select); coding-DNA position 3012, one base deleted (C; older notation c.3012delC).
Protein change: p.Tyr1005fs; shifts the reading frame from tyrosine 1005.
Molecular consequence: frameshift variant. On other transcripts: non-coding transcript variant (1).
Genome position (GRCh38, 1-based): chr13:102,657,076, C deleted. VCF-style (leftmost placement, unchanged base first): chr13-102657075-AC-A. GRCh37 (hg19) VCF-style: chr13-103309425-AC-A.
Other names: c.2973del, p.Tyr992fs (NM_001367947.1, NM_003291.4); short protein forms Y1005fs, Y992fs.
Identifiers: ClinVar variation 4292206 (VCV004292206.1).